The following is an entry in ClinVar:

ClinVar aggregate classification (germline): Uncertain significance. Review status: criteria provided, multiple submitters, no conflicts (2 of 4 stars). 2 submissions from 2 submitters: Uncertain significance (2). Last evaluated 2025-02-18.

Submissions (2):

Ambry Genetics
Classification: Uncertain significance. Last evaluated: 2025-02-18. Review status: criteria provided, single submitter. Criteria: Ambry Variant Classification Scheme 2023. Collection method: clinical testing. Allele origin: germline.

Labcorp Genetics (formerly Invitae), Labcorp
Classification: Uncertain significance. Last evaluated: 2023-06-03. Review status: criteria provided, single submitter. Criteria: Invitae Variant Classification Sherloc (09022015). Collection method: clinical testing. Allele origin: germline.
Comment: This variant is not present in population databases (gnomAD no frequency). This sequence change replaces arginine, which is basic and polar, with glycine, which is neutral and non-polar, at codon 93 of the SPP2 protein (p.Arg93Gly). This variant has not been reported in the literature in individuals affected with SPP2-related conditions. An algorithm developed to predict the effect of missense changes on protein structure and function (PolyPhen-2) suggests that this variant is likely to be tolerated. In summary, the available evidence is currently insufficient to determine the role of this variant in disease. Therefore, it has been classified as a Variant of Uncertain Significance.

NM_006944.3(SPP2):c.277A>G (p.Arg93Gly)

Gene: SPP2 (secreted phosphoprotein 2; plus strand). Cytogenetic location: 2q37.1.
Variant type: single nucleotide variant.
Coding change: c.277A>G on transcript NM_006944.3 (MANE Select); coding-DNA position 277, A replaced by G.
Protein change: p.Arg93Gly; replaces arginine 93 with glycine.
Molecular consequence: missense variant.
Genome position (GRCh38, 1-based): chr2:234,058,902, A>G. VCF-style: chr2-234058902-A-G. GRCh37 (hg19) VCF-style: chr2-234967546-A-G.
Other names: c.277A>G (NM_006944.2); short protein forms R93G.
Identifiers: ClinVar variation 2996737 (VCV002996737.4), dbSNP rs1399954776, ClinGen allele CA351101905.